The following is an entry in ClinVar:

NM_001199753.2(CPT1C):c.1593G>A (p.Leu531=)

Gene: CPT1C (carnitine palmitoyltransferase 1C; plus strand). Cytogenetic location: 19q13.33.
Variant type: single nucleotide variant.
Coding change: c.1593G>A on transcript NM_001199753.2 (MANE Select); coding-DNA position 1593, G replaced by A.
Protein change: p.Leu531=; no amino-acid change (leucine 531 retained).
Molecular consequence: synonymous variant. On other transcripts: non-coding transcript variant (1).
Genome position (GRCh38, 1-based): chr19:49,710,346, G>A. VCF-style: chr19-49710346-G-A. GRCh37 (hg19) VCF-style: chr19-50213603-G-A.
Other names: c.1593G>A, p.Leu531= (NM_001378488.1, NM_152359.3, NM_001199752.3 and 3 more transcripts); c.1560G>A, p.Leu520= (NM_001136052.3, NM_001378485.1, NM_001378487.1); c.1659G>A, p.Leu553= (NM_001378482.1).
Identifiers: ClinVar variation 2650286 (VCV002650286.26), dbSNP rs1568541072, ClinGen allele CA508132861.

ClinVar aggregate classification (germline): Likely benign. Review status: criteria provided, multiple submitters, no conflicts (2 of 4 stars). 2 submissions from 2 submitters: Likely benign (2). Last evaluated 2024-06-19.

Conditions:
Hereditary spastic paraplegia 73. Also called: Spastic paraplegia 73, autosomal dominant. Identifiers: Orphanet 444099, MedGen C5568981, MONDO:0014568, OMIM 616282.

Allele frequency attached by ClinVar (database versions not stated): gnomAD exomes below 0.00001.
gnomAD v4.1: 1 of 1,614,156 alleles (0.000062%); highest among the groups gnomAD compares: Non-Finnish European, 0.000085%; no homozygotes.

Submissions (2):

Labcorp Genetics (formerly Invitae), Labcorp
Classification: Likely benign for Hereditary spastic paraplegia 73. Last evaluated: 2024-06-19. Review status: criteria provided, single submitter. Criteria: Invitae Variant Classification Sherloc (09022015). Collection method: clinical testing. Allele origin: germline.

CeGaT Center for Human Genetics Tuebingen
Classification: Likely benign. Last evaluated: 2022-08-01. Review status: criteria provided, single submitter. Criteria: CeGaT Center For Human Genetics Tuebingen Variant Classification Criteria Version 2. Collection method: clinical testing. Allele origin: germline. Affected: yes. Observed: 1 variant allele.
Comment: CPT1C: BP4, BP7